The following is an entry in ClinVar:

NM_001330700.2(TOP2B):c.1075A>G (p.Ile359Val)

Gene: TOP2B (DNA topoisomerase II beta; minus strand). Cytogenetic location: 3p24.2.
Variant type: single nucleotide variant.
Coding change: c.1075A>G on transcript NM_001330700.2 (MANE Select); coding-DNA position 1075, A replaced by G.
Protein change: p.Ile359Val; replaces isoleucine 359 with valine.
Molecular consequence: missense variant.
Genome position (GRCh38, 1-based): chr3:25,632,746, T>C on the plus strand (A>G on the coding strand, the complement: TOP2B is on the minus strand). VCF-style: chr3-25632746-T-C. GRCh37 (hg19) VCF-style: chr3-25674237-T-C.
Other names: c.1060A>G, p.Ile354Val (NM_001068.3); short protein forms I354V, I359V.
Identifiers: ClinVar variation 2973869 (VCV002973869.3), dbSNP rs2470359306, ClinGen allele CA351910788.

ClinVar aggregate classification (germline): Uncertain significance (1 of 4 stars; one submission).

Submission:

Labcorp Genetics (formerly Invitae), Labcorp
Classification: Uncertain significance. Last evaluated: 2023-08-30. Review status: criteria provided, single submitter. Criteria: Invitae Variant Classification Sherloc (09022015). Collection method: clinical testing. Allele origin: germline.
Comment: This sequence change replaces isoleucine, which is neutral and non-polar, with valine, which is neutral and non-polar, at codon 354 of the TOP2B protein (p.Ile354Val). This variant is not present in population databases (gnomAD no frequency). This variant has not been reported in the literature in individuals affected with TOP2B-related conditions. An algorithm developed to predict the effect of missense changes on protein structure and function (PolyPhen-2) suggests that this variant is likely to be tolerated. In summary, the available evidence is currently insufficient to determine the role of this variant in disease. Therefore, it has been classified as a Variant of Uncertain Significance.